The following is an entry in ClinVar:

NM_003901.4(SGPL1):c.888T>A (p.Asp296Glu)

Gene: SGPL1 (sphingosine-1-phosphate lyase 1; plus strand). Cytogenetic location: 10q22.1.
Variant type: single nucleotide variant.
Coding change: c.888T>A on transcript NM_003901.4 (MANE Select); coding-DNA position 888, T replaced by A.
Protein change: p.Asp296Glu; replaces aspartic acid 296 with glutamic acid.
Molecular consequence: missense variant.
Genome position (GRCh38, 1-based): chr10:70,871,125, T>A. VCF-style: chr10-70871125-T-A. GRCh37 (hg19) VCF-style: chr10-72630882-T-A.
Other names: c.888T>A (NM_003901.3); short protein forms D296E.
Identifiers: ClinVar variation 1941195 (VCV001941195.4), dbSNP rs769780099, ClinGen allele CA5541323.

ClinVar aggregate classification (germline): Uncertain significance. Review status: criteria provided, multiple submitters, no conflicts (2 of 4 stars). 3 submissions from 3 submitters: Uncertain significance (3). Last evaluated 2026-08-06.

Conditions:
Differences in sex development.
Inborn genetic diseases. Identifiers: MedGen C0950123, MeSH D030342.

Allele frequency attached by ClinVar (database versions not stated): gnomAD exomes 0.00001; ExAC 0.00002.
gnomAD v4.1: 14 of 1,613,246 alleles (0.00087%); highest among the groups gnomAD compares: Middle Eastern, 0.05%; no homozygotes.

Submissions (3):

NHS Central & South Genomic Laboratory Hub
Classification: Uncertain significance for Differences in sex development. Last evaluated: 2026-08-06. Review status: criteria provided, single submitter. Criteria: ACMG Guidelines, 2015. Collection method: clinical testing. Allele origin: germline. Affected: yes.

Ambry Genetics
Classification: Uncertain significance for Inborn genetic diseases. Last evaluated: 2023-12-28. Review status: criteria provided, single submitter. Criteria: Ambry Variant Classification Scheme 2023. Collection method: clinical testing. Allele origin: germline.

Labcorp Genetics (formerly Invitae), Labcorp
Classification: Uncertain significance. Last evaluated: 2022-03-16. Review status: criteria provided, single submitter. Criteria: Invitae Variant Classification Sherloc (09022015). Collection method: clinical testing. Allele origin: germline.
Comment: This sequence change replaces aspartic acid, which is acidic and polar, with glutamic acid, which is acidic and polar, at codon 296 of the SGPL1 protein (p.Asp296Glu). This variant is present in population databases (rs769780099, gnomAD 0.007%). This variant has not been reported in the literature in individuals affected with SGPL1-related conditions. Algorithms developed to predict the effect of missense changes on protein structure and function (SIFT, PolyPhen-2, Align-GVGD) all suggest that this variant is likely to be disruptive. In summary, the available evidence is currently insufficient to determine the role of this variant in disease. Therefore, it has been classified as a Variant of Uncertain Significance.